The following is an entry in ClinVar:

NM_002470.4(MYH3):c.1471_1483del (p.Asn491fs)

Gene: MYH3 (myosin heavy chain 3; minus strand). Cytogenetic location: 17p13.1.
Variant type: Deletion.
Coding change: c.1471_1483del on transcript NM_002470.4 (MANE Select); coding-DNA positions 1471 to 1483, 13 bases deleted (AACCACCACATGT).
Protein change: p.Asn491fs; shifts the reading frame from asparagine 491.
Molecular consequence: frameshift variant.
Genome position (GRCh38, 1-based): chr17:10,642,924-10,642,936, ACATGTGGTGGTT deleted on the plus strand (AACCACCACATGT on the coding strand, the reverse complement: MYH3 is on the minus strand). VCF-style (leftmost placement, unchanged base first): chr17-10642923-AACATGTGGTGGTT-A. GRCh37 (hg19) VCF-style: chr17-10546240-AACATGTGGTGGTT-A.
Other names: short protein forms N491fs.
Identifiers: ClinVar variation 4715816 (VCV004715816.1).

ClinVar aggregate classification (germline): Pathogenic (1 of 4 stars; one submission).

Submission:

Labcorp Genetics (formerly Invitae), Labcorp
Classification: Pathogenic. Last evaluated: 2025-03-24. Review status: criteria provided, single submitter. Criteria: Invitae Variant Classification Sherloc (09022015). Collection method: clinical testing. Allele origin: germline.
Comment: This sequence change creates a premature translational stop signal (p.Asn491Serfs*86) in the MYH3 gene. It is expected to result in an absent or disrupted protein product. Loss-of-function variants in MYH3 are known to be pathogenic (PMID: 29805041, 30008475). This variant is not present in population databases (gnomAD no frequency). This variant has not been reported in the literature in individuals affected with MYH3-related conditions. For these reasons, this variant has been classified as Pathogenic.

Literature cited by the submitters: PubMed 29805041; PubMed 30008475.